The following is an entry in ClinVar:

NM_006017.3(PROM1):c.2408T>C (p.Val803Ala)

Gene: PROM1 (prominin 1; minus strand). Cytogenetic location: 4p15.32.
Variant type: single nucleotide variant.
Coding change: c.2408T>C on transcript NM_006017.3 (MANE Select); coding-DNA position 2408, T replaced by C.
Protein change: p.Val803Ala; replaces valine 803 with alanine.
Molecular consequence: missense variant.
Genome position (GRCh38, 1-based): chr4:15,980,503, A>G on the plus strand (T>C on the coding strand, the complement: PROM1 is on the minus strand). VCF-style: chr4-15980503-A-G. GRCh37 (hg19) VCF-style: chr4-15982126-A-G.
Other names: c.2381T>C, p.Val794Ala (NM_001145847.2, NM_001145848.2, NM_001145851.2 and 4 more transcripts); c.2408T>C, p.Val803Ala (NM_001145849.2, NM_001145850.2); c.2408T>C (NM_006017.2); short protein forms V794A, V803A.
Identifiers: ClinVar variation 1438454 (VCV001438454.7), dbSNP rs757702736, ClinGen allele CA92566480.
Genomic context (GRCh38, chr4:15,980,503, plus strand): 5'-TCCATTCGACGATAGTACTTAGCCAGTTTTACCGCAAAAATTAGAGCCGGAAGTAAAAAT[A>G]CAGTAGCTTTTCCTATGCCAAACCAAAACAAATTCTAGGAAAAAAAAATCAGAAGAATTA-3'
Protein context (NP_006008.1, residues 793-813): LFWFGIGKAT[Val803Ala]FLLPALIFAV

ClinVar aggregate classification (germline): Uncertain significance. Review status: criteria provided, multiple submitters, no conflicts (2 of 4 stars). 2 submissions from 2 submitters: Uncertain significance (2). Last evaluated 2026-08-17.

Conditions:
PROM1-related disorder. Also called: PROM1-related disorders; PROM1-related condition.

Allele frequency attached by ClinVar (database versions not stated): gnomAD 0.00003 and 0.00004; gnomAD exomes 0.00004; TOPMed 0.00004.
gnomAD v4.1: 54 of 1,554,054 alleles (0.0035%); highest among the groups gnomAD compares: Admixed American, 0.0059%; no homozygotes.

Submissions (2):

PreventionGenetics, part of Exact Sciences
Classification: Uncertain significance for PROM1-related condition. Last evaluated: 2026-08-17. Review status: criteria provided, single submitter. Criteria: ACMG Guidelines, 2015. Collection method: clinical testing. Allele origin: germline.
Comment: The PROM1 c.2408T>C variant is predicted to result in the amino acid substitution p.Val803Ala. This variant was previously reported in a cohort of individuals with retinal disease (Table S1, Del Pozo-Valero et al. 2019. PubMed ID: 31129250). This variant is reported in 0.0025% of alleles in individuals of European (Non-Finnish) descent in gnomAD. At this time, the clinical significance of this variant is uncertain due to the absence of conclusive functional and genetic evidence.

Labcorp Genetics (formerly Invitae), Labcorp
Classification: Uncertain significance. Last evaluated: 2026-01-16. Review status: criteria provided, single submitter. Criteria: Invitae Variant Classification Sherloc (09022015). Collection method: clinical testing. Allele origin: germline.
Comment: This sequence change replaces valine, which is neutral and non-polar, with alanine, which is neutral and non-polar, at codon 803 of the PROM1 protein (p.Val803Ala). The frequency data for this variant in the population databases is considered unreliable, as metrics indicate poor data quality at this position in the gnomAD database. This missense change has been observed in individual(s) with retinitis pigmentosa (PMID: 31129250). ClinVar contains an entry for this variant (Variation ID: 1438454). Invitae Evidence Modeling of protein sequence and biophysical properties (such as structural, functional, and spatial information, amino acid conservation, physicochemical variation, residue mobility, and thermodynamic stability) indicates that this missense variant is not expected to disrupt PROM1 protein function with a negative predictive value of 80%. In summary, the available evidence is currently insufficient to determine the role of this variant in disease. Therefore, it has been classified as a Variant of Uncertain Significance.

Literature cited by the submitters: PubMed 31129250 (cited by Labcorp Genetics (formerly Invitae), Labcorp).